The following is an entry in ClinVar:

NM_000443.4(ABCB4):c.784dup (p.Ala262fs)

Gene: ABCB4 (ATP binding cassette subfamily B member 4; minus strand). Cytogenetic location: 7q21.12.
Variant type: Duplication.
Coding change: c.784dup on transcript NM_000443.4 (MANE Select); coding-DNA position 784, one base duplicated (G; older notation c.784dupG).
Protein change: p.Ala262fs; shifts the reading frame from alanine 262.
Molecular consequence: frameshift variant.
Genome position (GRCh38, 1-based): chr7:87,450,017, C duplicated on the plus strand (G on the coding strand, the reverse complement: ABCB4 is on the minus strand); the first of 5 consecutive C bases (chr7:87,450,017-87,450,021); duplicating any one gives the same sequence. VCF-style (leftmost placement, unchanged base first): chr7-87450016-G-GC. GRCh37 (hg19) VCF-style: chr7-87079332-G-GC.
Other names: c.784dup, p.Ala262fs (NM_018849.3, NM_018850.3); short protein forms A262fs.
Identifiers: ClinVar variation 4846391 (VCV004846391.2).

ClinVar aggregate classification (germline): Pathogenic/Likely pathogenic. Review status: criteria provided, multiple submitters, no conflicts (2 of 4 stars). 2 submissions from 2 submitters: Pathogenic (1); Likely pathogenic (1). Last evaluated 2026-04-14.

Conditions:
Low phospholipid associated cholelithiasis (GBD1). Also called: Gallstone cholecystitis; Gallbladder disease 1. Identifiers: Orphanet 69663, MedGen C2609268, MONDO:0010939, OMIM 600803.

Submissions (2):

Genomenon, Inc
Classification: Pathogenic for Low phospholipid associated cholelithiasis. Last evaluated: 2026-04-14. Review status: criteria provided, single submitter. Criteria: Genomenon Sequence Variant Interpretation Standards - Updated. Collection method: curation. Allele origin: germline. Affected: yes.
Comment: ABCB4 p.Ala262GlyfsTer31 (c.784dup) is a frameshift variant that results in the production of a truncated protein which is predicted to undergo nonsense-mediated mRNA decay. This variant has been observed in at least one proband with an ABCB4-related disorder (PMID:34942279). It is absent or not present at a significant frequency in gnomAD. In conclusion, we classify ABCB4 p.Ala262GlyfsTer31 (c.784dup) as a pathogenic variant.

Clinical Genetics Service, Universitary Hospital 12 de Octubre
Classification: Likely pathogenic for Low phospholipid associated cholelithiasis. Review status: criteria provided, single submitter. Criteria: ACMG Guidelines, 2015. Collection method: clinical testing. Allele origin: germline. Affected: yes.

Literature cited by the submitters: PubMed 34942279 (cited by Genomenon, Inc).